The following is an entry in ClinVar:

NM_080680.3(COL11A2):c.3543C>T (p.Pro1181=)

Gene: COL11A2 (collagen type XI alpha 2 chain; minus strand). Cytogenetic location: 6p21.32.
Variant type: single nucleotide variant.
Coding change: c.3543C>T on transcript NM_080680.3 (MANE Select); coding-DNA position 3543, C replaced by T.
Protein change: p.Pro1181=; no amino-acid change (proline 1181 retained).
Molecular consequence: synonymous variant.
Genome position (GRCh38, 1-based): chr6:33,170,365, G>A on the plus strand (C>T on the coding strand, the complement: COL11A2 is on the minus strand). VCF-style: chr6-33170365-G-A. GRCh37 (hg19) VCF-style: chr6-33138142-G-A.
Other names: c.3222C>T, p.Pro1074= (NM_080679.3); c.3285C>T, p.Pro1095= (NM_080681.3).
Identifiers: ClinVar variation 509341 (VCV000509341.1), dbSNP rs1554215751, ClinGen allele CA449873870.

ClinVar aggregate classification (germline): Likely benign (1 of 4 stars; one submission).

Allele frequency attached by ClinVar (database versions not stated): TOPMed below 0.00001.

Submission:

GeneDx
Classification: Likely benign. Last evaluated: 2017-05-10. Review status: criteria provided, single submitter. Criteria: GeneDx Variant Classification (06012015). Collection method: clinical testing. Allele origin: germline. Affected: yes.
Comment: This variant is considered likely benign or benign based on one or more of the following criteria: it is a conservative change, it occurs at a poorly conserved position in the protein, it is predicted to be benign by multiple in silico algorithms, and/or has population frequency not consistent with disease.